The following is an entry in ClinVar:

NM_014874.4(MFN2):c.818T>G (p.Val273Gly)

Gene: MFN2 (mitofusin 2; plus strand). Cytogenetic location: 1p36.22.
Variant type: single nucleotide variant.
Coding change: c.818T>G on transcript NM_014874.4 (MANE Select); coding-DNA position 818, T replaced by G.
Protein change: p.Val273Gly; replaces valine 273 with glycine.
Molecular consequence: missense variant.
Genome position (GRCh38, 1-based): chr1:12,001,402, T>G. VCF-style: chr1-12001402-T-G. GRCh37 (hg19) VCF-style: chr1-12061459-T-G.
Other names: c.818T>G, p.Val273Gly (NM_001127660.2); short protein forms V273G.
Identifiers: ClinVar variation 449524 (VCV000449524.16), dbSNP rs1458700065, ClinGen allele CA338441387.
Genomic context (GRCh38, chr1:12,001,402, plus strand): 5'-GCAGGTGGGGGCTGTGGGGCCACCTACACTCACTCTGGACACATTTGTTTGGGCTCCAGG[T>G]GCGGCGGCAGCACATGGAGCGTTGTACCAGCTTCCTGGTGGATGAGCTGGGCGTGGTGGA-3'
Protein context (NP_055689.1, residues 263-283): SASEPEYMEE[Val273Gly]RRQHMERCTS

ClinVar aggregate classification (germline): Pathogenic/Likely pathogenic. Review status: criteria provided, multiple submitters, no conflicts (2 of 4 stars). 3 submissions from 3 submitters: Pathogenic (1); Likely pathogenic (1). 1 of the submissions does not count toward it. Last evaluated 2025-05-06.

Conditions:
Charcot-Marie-Tooth disease type 2. Also called: Charcot-Marie-Tooth type 2. Identifiers: Orphanet 64746, MedGen C0270914, MONDO:0018993.
Charcot-Marie-Tooth disease. Also called: Charcot-Marie-Tooth Neuropathy; Charcot-Marie-Tooth Hereditary Neuropathy. Identifiers: Orphanet 166, MedGen C0007959, MONDO:0015626.
Charcot-Marie-Tooth disease, type 2A. Identifiers: MedGen C2079538.

Submissions (3):

Labcorp Genetics (formerly Invitae), Labcorp
Classification: Pathogenic for Charcot-Marie-Tooth disease type 2. Last evaluated: 2025-05-06. Review status: criteria provided, single submitter. Criteria: Invitae Variant Classification Sherloc (09022015). Collection method: clinical testing. Allele origin: germline.
Comment: This sequence change replaces valine, which is neutral and non-polar, with glycine, which is neutral and non-polar, at codon 273 of the MFN2 protein (p.Val273Gly). This variant is not present in population databases (gnomAD no frequency). This missense change has been observed in individuals with autosomal dominant Charcot-Marie-Tooth disease (CMT) (PMID: 16043786; internal data). It has also been observed to segregate with disease in related individuals. ClinVar contains an entry for this variant (Variation ID: 449524). Invitae Evidence Modeling of protein sequence and biophysical properties (such as structural, functional, and spatial information, amino acid conservation, physicochemical variation, residue mobility, and thermodynamic stability) indicates that this missense variant is expected to disrupt MFN2 protein function with a positive predictive value of 95%. Experimental studies have shown that this missense change does not substantially affect MFN2 function (PMID: 18316077). For these reasons, this variant has been classified as Pathogenic.

GeneDx
Classification: Likely pathogenic. Last evaluated: 2021-10-08. Review status: criteria provided, single submitter. Criteria: GeneDx Variant Classification Process June 2021. Collection method: clinical testing. Allele origin: germline. Affected: yes.
Comment: Not observed at significant frequency in large population cohorts (Lek et al., 2016); In silico analysis supports that this missense variant has a deleterious effect on protein structure/function; This variant is associated with the following publications: (PMID: 26143526, 21508331, 18316077, 21336783, 20008656, 16043786, 24863639, 30642740)

Inherited Neuropathy Consortium
Classification: Uncertain significance for Charcot-Marie-Tooth disease. Review status: no assertion criteria provided. Collection method: literature only. Allele origin: germline. Affected: yes. Not counted in ClinVar's aggregate classification.

Literature cited by the submitters: PubMed 16043786 (cited by Labcorp Genetics (formerly Invitae), Labcorp and Inherited Neuropathy Consortium); PubMed 18316077 (cited by Labcorp Genetics (formerly Invitae), Labcorp).